The following is an entry in ClinVar:

ClinVar aggregate classification (germline): Likely benign. Review status: criteria provided, multiple submitters, no conflicts (2 of 4 stars). 3 submissions from 3 submitters: Likely benign (2). 1 of the submissions does not count toward it. Last evaluated 2025-07-15.

Conditions:
PROP1-related disorder. Also called: PROP1-related condition.
Pituitary hormone deficiency, combined, 2. Also called: HANHART DWARFISM; PITUITARY DWARFISM III; PROP1-Related Combined Pituitary Hormone Deficiency; ATELIOTIC DWARFISM WITH HYPOGONADISM. Identifiers: MedGen C0878683, MONDO:0009878, OMIM 262600.

Allele frequency attached by ClinVar (database versions not stated): gnomAD exomes 0.00002; ExAC 0.00003; gnomAD 0.00013; ESP Exome Variant Server 0.00015; TOPMed 0.00018; 1000 Genomes Project 0.00020; 1000 Genomes Project 30x 0.00031.
gnomAD v4.1: 45 of 1,613,812 alleles (0.0028%); highest among the groups gnomAD compares: African/African-American, 0.056%; no homozygotes.

Submissions (3):

PreventionGenetics, part of Exact Sciences
Classification: Likely benign for PROP1-related condition. Last evaluated: 2025-07-15. Review status: criteria provided, single submitter. Criteria: ACMG Guidelines, 2015. Collection method: clinical testing. Allele origin: germline.
Comment: This variant is classified as likely benign based on ACMG/AMP sequence variant interpretation guidelines (Richards et al. 2015 PMID: 25741868, with internal and published modifications).

Labcorp Genetics (formerly Invitae), Labcorp
Classification: Likely benign. Last evaluated: 2024-01-17. Review status: criteria provided, single submitter. Criteria: Invitae Variant Classification Sherloc (09022015). Collection method: clinical testing. Allele origin: germline.

Natera, Inc.
Classification: Uncertain significance for Combined pituitary hormone deficiency type 2. Last evaluated: 2020-05-06. Review status: no assertion criteria provided. Collection method: clinical testing. Allele origin: germline. Not counted in ClinVar's aggregate classification.

NM_006261.5(PROP1):c.303T>C (p.Ser101=)

Gene: PROP1 (PROP paired-like homeobox 1; minus strand). Cytogenetic location: 5q35.3.
Variant type: single nucleotide variant.
Coding change: c.303T>C on transcript NM_006261.5 (MANE Select); coding-DNA position 303, T replaced by C.
Protein change: p.Ser101=; no amino-acid change (serine 101 retained).
Molecular consequence: synonymous variant.
Genome position (GRCh38, 1-based): chr5:177,994,145, A>G on the plus strand (T>C on the coding strand, the complement: PROP1 is on the minus strand). VCF-style: chr5-177994145-A-G. GRCh37 (hg19) VCF-style: chr5-177421146-A-G.
Identifiers: ClinVar variation 989935 (VCV000989935.11), dbSNP rs114584451, ClinGen allele CA3587564.